The following is an entry in ClinVar:

ClinVar aggregate classification (germline): Uncertain significance (1 of 4 stars; one submission).

Conditions:
Complement component 2 deficiency (C2D). Also called: C2 deficiency. Identifiers: MedGen C0398756, MONDO:0009006, OMIM 217000.

Allele frequency attached by ClinVar (database versions not stated): gnomAD exomes 0.00002.
gnomAD v4.1: 27 of 1,612,522 alleles (0.0017%); highest among the groups gnomAD compares: African/African-American, 0.0027%; no homozygotes.

Submission:

Laboratory for Molecular Medicine, Mass General Brigham Personalized Medicine
Classification: Uncertain significance for Complement component 2 deficiency. Last evaluated: 2014-12-30. Review status: criteria provided, single submitter. Criteria: ACMG Guidelines, 2015. Collection method: clinical testing. Allele origin: germline. Inheritance: Autosomal recessive inheritance.
Comment: The p.Arg355X variant in C2 has not been previously reported in individuals with disease but has been identified in 2/64,284 of European chromosomes by the Exome Aggregation Consortium (ExAC). This nonsense variant leads to a premature termination codon at position 355 which is predicted to lead to a truncated or absent protein. Only one clear null variant (28 bp deletion) in the C2 gene has been reported as pathogenic for C2 deficiency. Therefore, although the p.Arg355X variant is likely to lead to absence of C2 gene expression, it has been classified as "Uncertain significance - favor pathogenic" pending more solid data proving that null variants are a mechanism of C2 deficiency.

NM_000063.6(C2):c.1063C>T (p.Arg355Ter)

Genes: C2 (complement C2; plus strand), C2-AS1 (C2 antisense RNA 1; minus strand). Cytogenetic location: 6p21.33.
Variant type: single nucleotide variant.
Coding change: c.1063C>T on transcript NM_000063.6 (MANE Select); coding-DNA position 1063, C replaced by T.
Protein change: p.Arg355Ter; replaces arginine 355 with a stop codon.
Molecular consequence: nonsense.
Genome position (GRCh38, 1-based): chr6:31,937,393, C>T. VCF-style: chr6-31937393-C-T. GRCh37 (hg19) VCF-style: chr6-31905170-C-T.
Other names: c.667C>T, p.Arg223Ter (NM_001145903.3); c.421C>T, p.Arg141Ter (NM_001178063.3); c.325C>T, p.Arg109Ter (NM_001282457.2); c.976C>T, p.Arg326Ter (NM_001282458.2); short protein forms R109*, R141*, R223*, R326*, R355*.
Identifiers: ClinVar variation 3076005 (VCV003076005.1), dbSNP rs538818827, ClinGen allele CA3727603.